The following is an entry in ClinVar:

NM_001278182.2(EOMES):c.449G>A (p.Gly150Asp)

Genes: EOMES (eomesodermin; minus strand), LOC129936390 (ATAC-STARR-seq lymphoblastoid silent region 14153; plus strand). Cytogenetic location: 3p24.1.
Variant type: single nucleotide variant.
Coding change: c.449G>A on transcript NM_001278182.2 (MANE Select); coding-DNA position 449, G replaced by A.
Protein change: p.Gly150Asp; replaces glycine 150 with aspartic acid.
Molecular consequence: missense variant. On other transcripts: intron variant (1).
Genome position (GRCh38, 1-based): chr3:27,721,846, C>T on the plus strand (G>A on the coding strand, the complement: EOMES is on the minus strand). VCF-style: chr3-27721846-C-T. GRCh37 (hg19) VCF-style: chr3-27763337-C-T.
Other names: c.449G>A, p.Gly150Asp (NM_005442.4); c.-5+584G>A (NM_001278183.2); short protein forms G150D.
Identifiers: ClinVar variation 4870500 (VCV004870500.1).

ClinVar aggregate classification (germline): Uncertain significance (1 of 4 stars; one submission).

Submission:

Ambry Genetics
Classification: Uncertain significance. Last evaluated: 2026-04-01. Review status: criteria provided, single submitter. Criteria: Ambry Variant Classification Scheme 2023. Collection method: clinical testing. Allele origin: germline.
Comment: The c.449G>A (p.G150D) alteration is located in exon 1 (coding exon 1) of the EOMES gene. This alteration results from a G to A substitution at nucleotide position 449, causing the glycine (G) at amino acid position 150 to be replaced by an aspartic acid (D). Based on data from gnomAD, the A allele has an overall frequency of <0.001% (0/115780) total alleles studied. The highest observed frequency was <0.001% (/) of alleles. Based on insufficient or conflicting evidence, the clinical significance of this alteration remains unclear.